The following is an entry in ClinVar:

ClinVar aggregate classification (germline): Uncertain significance. Review status: criteria provided, multiple submitters, no conflicts (2 of 4 stars). 2 submissions from 2 submitters: Uncertain significance (2). Last evaluated 2025-03-05.

Conditions:
Cohen syndrome (COH1). Also called: PEPPER SYNDROME; Cutis verticis gyrata, retinitis pigmentosa, and sensorineural deafness. Identifiers: Orphanet 193, MedGen C0265223, MONDO:0008999, OMIM 216550.
VPS13B-related disorder. Also called: VPS13B-related condition.

Allele frequency attached by ClinVar (database versions not stated): gnomAD 0.00001.
gnomAD v4.1: 1 of 1,612,816 alleles (0.000062%); highest among the groups gnomAD compares: Non-Finnish European, 0.000085%; no homozygotes.

Submissions (2):

PreventionGenetics, part of Exact Sciences
Classification: Uncertain significance for VPS13B-related condition. Last evaluated: 2025-03-05. Review status: criteria provided, single submitter. Criteria: ACMG Guidelines, 2015. Collection method: clinical testing. Allele origin: germline.
Comment: The VPS13B c.1429G>T variant is predicted to result in the amino acid substitution p.Ala477Ser. To our knowledge, this variant has not been reported in the literature or in a large population database (gnomAD), indicating this variant is rare. At this time, the clinical significance of this variant is uncertain due to the absence of conclusive functional and genetic evidence.

Labcorp Genetics (formerly Invitae), Labcorp
Classification: Uncertain significance for Cohen syndrome. Last evaluated: 2023-06-16. Review status: criteria provided, single submitter. Criteria: Invitae Variant Classification Sherloc (09022015). Collection method: clinical testing. Allele origin: germline.
Comment: In summary, the available evidence is currently insufficient to determine the role of this variant in disease. Therefore, it has been classified as a Variant of Uncertain Significance. Algorithms developed to predict the effect of sequence changes on RNA splicing suggest that this variant may disrupt the consensus splice site. Advanced modeling of protein sequence and biophysical properties (such as structural, functional, and spatial information, amino acid conservation, physicochemical variation, residue mobility, and thermodynamic stability) performed at Invitae indicates that this missense variant is expected to disrupt VPS13B protein function. ClinVar contains an entry for this variant (Variation ID: 1346157). This variant has not been reported in the literature in individuals affected with VPS13B-related conditions. This variant is not present in population databases (gnomAD no frequency). This sequence change replaces alanine, which is neutral and non-polar, with serine, which is neutral and polar, at codon 477 of the VPS13B protein (p.Ala477Ser).

NM_152564.5(VPS13B):c.1429G>T (p.Ala477Ser)

Gene: VPS13B (vacuolar protein sorting 13 homolog B; plus strand). Cytogenetic location: 8q22.2.
Variant type: single nucleotide variant.
Coding change: c.1429G>T on transcript NM_152564.5 (MANE Select); coding-DNA position 1429, G replaced by T.
Protein change: p.Ala477Ser; replaces alanine 477 with serine.
Molecular consequence: missense variant.
Genome position (GRCh38, 1-based): chr8:99,135,599, G>T. VCF-style: chr8-99135599-G-T. GRCh37 (hg19) VCF-style: chr8-100147827-G-T.
Other names: c.1429G>T (NM_152564.4); c.1429G>T, p.Ala477Ser (NM_015243.3, NM_017890.5); short protein forms A477S.
Identifiers: ClinVar variation 1346157 (VCV001346157.7), dbSNP rs1272904056, ClinGen allele CA371863097.